The following is an entry in ClinVar:

ClinVar aggregate classification (germline): Uncertain significance. Review status: criteria provided, multiple submitters, no conflicts (2 of 4 stars). 3 submissions from 3 submitters: Uncertain significance (3). Last evaluated 2025-02-18.

Conditions:
Dilated cardiomyopathy 1G (CMD1G). Identifiers: Orphanet 154, MedGen C1858763, MONDO:0011400, OMIM 604145.
Autosomal recessive limb-girdle muscular dystrophy type 2J (LGMDR10). Also called: Limb-girdle muscular dystrophy, type 2J; MUSCULAR DYSTROPHY, LIMB-GIRDLE, AUTOSOMAL RECESSIVE 10. Identifiers: Orphanet 140922, MedGen C1837342, MONDO:0012127, OMIM 608807.

Allele frequency attached by ClinVar (database versions not stated): gnomAD exomes 0.00003 and 0.00006; gnomAD 0.00004; ExAC 0.00005; TOPMed 0.00005; ESP Exome Variant Server 0.00025.
gnomAD v4.1: 52 of 1,610,186 alleles (0.0032%); highest among the groups gnomAD compares: African/African-American, 0.019%; no homozygotes.

Submissions (3):

Revvity Omics, Revvity
Classification: Uncertain significance. Last evaluated: 2025-02-18. Review status: criteria provided, single submitter. Criteria: ACMG Guidelines, 2015. Collection method: clinical testing. Allele origin: germline.

ARUP Laboratories, Molecular Genetics and Genomics, ARUP Laboratories
Classification: Uncertain significance. Last evaluated: 2024-10-07. Review status: criteria provided, single submitter. Criteria: ARUP Molecular Germline Variant Investigation Process 2024. Collection method: clinical testing. Allele origin: germline.
Comment: The TTN c.32194G>A; p.Glu10732Lys variant (rs374348069; ClinVar Variation ID: 405111) is rare in the general population (<0.2% allele frequency in the Genome Aggregation Database) and has not been reported in the medical literature in association with dilated cardiomyopathy (DCM) or other TTN-related disease. The clinical relevance of rare missense variants in this gene, which are identified on average once per individual sequenced in affected populations (Herman 2012), is not well understood. Yet, evidence suggests that the vast majority of such missense variants do not contribute to the clinical outcome of DCM (Begay 2015). Thus, the clinical significance of the p.Glu10732Lys variant cannot be determined with certainty. References: Begay RL et al. Role of Titin Missense Variants in Dilated Cardiomyopathy. J Am Heart Assoc. 2015 Nov 13;4(11). PMID: 26567375. Herman DS et al. Truncations of titin causing dilated cardiomyopathy. N Engl J Med. 2012 Feb 16;366(7):619-28. PMID: 22335739. Linke WA and Hamdani N. Gigantic business: titin properties and function through thick and thin. Circ Res 2014; 114(6): 1052-1068. PMID: 24625729.

Labcorp Genetics (formerly Invitae), Labcorp
Classification: Uncertain significance for Dilated cardiomyopathy 1G; Autosomal recessive limb-girdle muscular dystrophy type 2J. Last evaluated: 2016-10-17. Review status: criteria provided, single submitter. Criteria: Invitae Variant Classification Sherloc (09022015). Collection method: clinical testing. Allele origin: germline.

NM_001267550.2(TTN):c.32194G>A (p.Glu10732Lys)

Gene: TTN (titin; minus strand). Cytogenetic location: 2q31.2.
Variant type: single nucleotide variant.
Coding change: c.32194G>A on transcript NM_001267550.2 (MANE Select); coding-DNA position 32194, G replaced by A.
Protein change: p.Glu10732Lys; replaces glutamic acid 10732 with lysine.
Molecular consequence: missense variant. On other transcripts: intron variant (3).
Genome position (GRCh38, 1-based): chr2:178,688,680, C>T on the plus strand (G>A on the coding strand, the complement: TTN is on the minus strand). VCF-style: chr2-178688680-C-T. GRCh37 (hg19) VCF-style: chr2-179553407-C-T.
Other names: c.31243G>A, p.Glu10415Lys (NM_001256850.1); c.28462G>A, p.Glu9488Lys (NM_133378.4); c.13283-46363G>A (NM_003319.4); c.13859-46363G>A (NM_133437.4); c.13658-46363G>A (NM_133432.3); short protein forms E10732K, E10415K, E9488K.
Identifiers: ClinVar variation 405111 (VCV000405111.5), dbSNP rs374348069, ClinGen allele CA1998708.